The following is an entry in ClinVar:

NM_000059.4(BRCA2):c.1703C>G (p.Thr568Arg)

Gene: BRCA2 (BRCA2 DNA repair associated; plus strand). Cytogenetic location: 13q13.1.
Variant type: single nucleotide variant.
Coding change: c.1703C>G on transcript NM_000059.4 (MANE Select); coding-DNA position 1703, C replaced by G.
Protein change: p.Thr568Arg; replaces threonine 568 with arginine.
Molecular consequence: missense variant.
Genome position (GRCh38, 1-based): chr13:32,333,181, C>G. VCF-style: chr13-32333181-C-G. GRCh37 (hg19) VCF-style: chr13-32907318-C-G.
Other names: c.1703C>G, p.Thr568Arg (NM_001406719.1, NM_001406720.1, NM_001406721.1); short protein forms T568R.
Identifiers: ClinVar variation 1723025 (VCV001723025.6), dbSNP rs2072420088, ClinGen allele CA387765252.
Genomic context (GRCh38, chr13:32,333,181, plus strand): 5'-AGAAGGAGGACTCCTTATGTCCAAATTTAATTGATAATGGAAGCTGGCCAGCCACCACCA[C>G]ACAGAATTCTGTAGCTTTGAAGAATGCAGGTTTAATATCCACTTTGAAAAAGAAAACAAA-3'
Protein context (NP_000050.3, residues 558-578): IDNGSWPATT[Thr568Arg]QNSVALKNAG

ClinVar aggregate classification (germline): Conflicting classifications of pathogenicity. Review status: criteria provided, conflicting classifications (1 of 4 stars). 3 submissions from 3 submitters: Uncertain significance (2); Likely benign (1). Last evaluated 2024-04-12.

Conditions:
Hereditary cancer-predisposing syndrome. Also called: Neoplastic Syndromes, Hereditary; Tumor predisposition; Hereditary neoplastic syndrome; Hereditary Cancer Syndrome. Identifiers: Orphanet 140162, MedGen C0027672, MeSH D009386, MONDO:0015356.
Hereditary breast ovarian cancer syndrome. Also called: BRCA1- and BRCA2-Associated Hereditary Breast and Ovarian Cancer; Hereditary breast and ovarian cancer syndrome (HBOC); Hereditary breast and ovarian cancer syndrome; Hereditary breast and ovarian cancer; Hereditary breast and/or ovarian cancer syndrome; Breast and ovarian cancer. Identifiers: Orphanet 145, MedGen C0677776, MeSH D061325, MONDO:0003582. Disease mechanism: loss of function.

Submissions (3):

Labcorp Genetics (formerly Invitae), Labcorp
Classification: Uncertain significance for Hereditary breast ovarian cancer syndrome. Last evaluated: 2024-04-12. Review status: criteria provided, single submitter. Criteria: Invitae Variant Classification Sherloc (09022015). Collection method: clinical testing. Allele origin: germline.
Comment: This sequence change replaces threonine, which is neutral and polar, with arginine, which is basic and polar, at codon 568 of the BRCA2 protein (p.Thr568Arg). This variant is not present in population databases (gnomAD no frequency). This variant has not been reported in the literature in individuals affected with BRCA2-related conditions. ClinVar contains an entry for this variant (Variation ID: 1723025). Advanced modeling of protein sequence and biophysical properties (such as structural, functional, and spatial information, amino acid conservation, physicochemical variation, residue mobility, and thermodynamic stability) performed at Invitae indicates that this missense variant is not expected to disrupt BRCA2 protein function with a negative predictive value of 95%. In summary, the available evidence is currently insufficient to determine the role of this variant in disease. Therefore, it has been classified as a Variant of Uncertain Significance.

University of Washington Department of Laboratory Medicine, University of Washington
Classification: Likely benign for Hereditary cancer-predisposing syndrome. Last evaluated: 2023-03-23. Review status: criteria provided, single submitter. Criteria: Dines et al. (Genet Med. 2020). Collection method: curation. Allele origin: germline.
Comment: Missense variant in a coldspot region where missense variants are very unlikely to be pathogenic (PMID:31911673).

BRCA2 exon 10 coldspot. Reclassification based on statistical prior probability.

GeneDx
Classification: Uncertain significance. Last evaluated: 2022-05-06. Review status: criteria provided, single submitter. Criteria: GeneDx Variant Classification Process June 2021. Collection method: clinical testing. Allele origin: germline. Affected: yes.
Comment: Not observed at significant frequency in large population cohorts (gnomAD); In silico analysis supports that this missense variant does not alter protein structure/function; Has not been previously published as pathogenic or benign to our knowledge; Also known as 1931C>G